The following is an entry in ClinVar:

NM_001364171.2(ODAD1):c.566G>A (p.Arg189His)

Gene: ODAD1 (outer dynein arm docking complex subunit 1; minus strand). Cytogenetic location: 19q13.33.
Variant type: single nucleotide variant.
Coding change: c.566G>A on transcript NM_001364171.2 (MANE Select); coding-DNA position 566, G replaced by A.
Protein change: p.Arg189His; replaces arginine 189 with histidine.
Molecular consequence: missense variant.
Genome position (GRCh38, 1-based): chr19:48,311,584, C>T on the plus strand (G>A on the coding strand, the complement: ODAD1 is on the minus strand). VCF-style: chr19-48311584-C-T. GRCh37 (hg19) VCF-style: chr19-48814841-C-T.
Other names: c.455G>A, p.Arg152His (NM_144577.4); short protein forms R189H, R152H.
Identifiers: ClinVar variation 653574 (VCV000653574.8), dbSNP rs569554228, ClinGen allele CA9549027.

ClinVar aggregate classification (germline): Uncertain significance. Review status: criteria provided, multiple submitters, no conflicts (2 of 4 stars). 3 submissions from 3 submitters: Uncertain significance (3). Last evaluated 2025-12-15.

Conditions:
Primary ciliary dyskinesia. Also called: Ciliary dyskinesia. Identifiers: Orphanet 244, MedGen C0008780, MONDO:0016575, HP:0012265.

Allele frequency attached by ClinVar (database versions not stated): ExAC 0.00005; gnomAD exomes 0.00008; 1000 Genomes Project 30x 0.00016; 1000 Genomes Project 0.00020; gnomAD 0.00038 and 0.00044; TOPMed 0.00053.
gnomAD v4.1: 216 of 1,550,622 alleles (0.014%); highest among the groups gnomAD compares: African/African-American, 0.11%; no homozygotes.

Submissions (3):

Ambry Genetics
Classification: Uncertain significance for Primary ciliary dyskinesia. Last evaluated: 2025-12-15. Review status: criteria provided, single submitter. Criteria: Ambry Variant Classification Scheme 2023. Collection method: clinical testing. Allele origin: germline.
Comment: The p.R152H variant (also known as c.455G>A), located in coding exon 4 of the CCDC114 gene, results from a G to A substitution at nucleotide position 455. The arginine at codon 152 is replaced by histidine, an amino acid with highly similar properties. This variant was detected in two related individuals in conjunction with a second CCDC114 variant; both individuals were also homozygous for a canonical splice variant in the CCDC40 gene (Olm MAK et al. Sci Rep, 2019 06;9:8693). This amino acid position is well conserved in available vertebrate species. In addition, this alteration is predicted to be tolerated by in silico analysis. Based on the available evidence, the clinical significance of this variant remains unclear.

Blueprint Genetics
Classification: Uncertain significance. Last evaluated: 2024-10-02. Review status: criteria provided, single submitter. Criteria: ACMG Guidelines, 2015. Collection method: clinical testing. Allele origin: germline.

Labcorp Genetics (formerly Invitae), Labcorp
Classification: Uncertain significance for Primary ciliary dyskinesia. Last evaluated: 2022-08-22. Review status: criteria provided, single submitter. Criteria: Invitae Variant Classification Sherloc (09022015). Collection method: clinical testing. Allele origin: germline.
Comment: This sequence change replaces arginine, which is basic and polar, with histidine, which is basic and polar, at codon 152 of the CCDC114 protein (p.Arg152His). This variant is present in population databases (rs569554228, gnomAD 0.1%). This variant has not been reported in the literature in individuals affected with CCDC114-related conditions. ClinVar contains an entry for this variant (Variation ID: 653574). Algorithms developed to predict the effect of missense changes on protein structure and function output the following: SIFT: "Tolerated"; PolyPhen-2: "Benign"; Align-GVGD: "Class C0". The histidine amino acid residue is found in multiple mammalian species, which suggests that this missense change does not adversely affect protein function. In summary, the available evidence is currently insufficient to determine the role of this variant in disease. Therefore, it has been classified as a Variant of Uncertain Significance.

Literature cited by the submitters: PubMed 31213628 (cited by Ambry Genetics).